The following is an entry in ClinVar:

ClinVar aggregate classification (germline): Uncertain significance. Review status: criteria provided, multiple submitters, no conflicts (2 of 4 stars). 4 submissions from 4 submitters: Uncertain significance (4). Last evaluated 2026-06-18.

Conditions:
Inborn genetic diseases. Identifiers: MedGen C0950123, MeSH D030342.
TTLL5-related disorder. Also called: TTLL5-related condition.

Allele frequency attached by ClinVar (database versions not stated): ExAC 0.00015; ESP Exome Variant Server 0.00015; gnomAD exomes 0.00018; gnomAD 0.00025 and 0.00046; TOPMed 0.00036.
gnomAD v4.1: 195 of 1,613,622 alleles (0.012%); highest among the groups gnomAD compares: East Asian, 0.013%; no homozygotes.

Submissions (4):

PreventionGenetics, part of Exact Sciences
Classification: Uncertain significance for TTLL5-related condition. Last evaluated: 2026-06-18. Review status: criteria provided, single submitter. Criteria: ACMG Guidelines, 2015. Collection method: clinical testing. Allele origin: germline.
Comment: The TTLL5 c.40T>C variant is predicted to result in the amino acid substitution p.Ser14Pro. To our knowledge, this variant has not been reported in the literature. This variant is present in 0.12% of alleles in individuals of European (Finnish) descent in gnomAD, which may be too common to be an unreported cause of disease. Although we suspect that this variant may be benign, at this time, the clinical significance of this variant is uncertain due to the absence of conclusive functional and genetic evidence.

Blueprint Genetics
Classification: Uncertain significance. Last evaluated: 2024-06-13. Review status: criteria provided, single submitter. Criteria: ACMG Guidelines, 2015. Collection method: clinical testing. Allele origin: germline.

Labcorp Genetics (formerly Invitae), Labcorp
Classification: Uncertain significance. Last evaluated: 2023-11-06. Review status: criteria provided, single submitter. Criteria: Invitae Variant Classification Sherloc (09022015). Collection method: clinical testing. Allele origin: germline.
Comment: This sequence change replaces serine, which is neutral and polar, with proline, which is neutral and non-polar, at codon 14 of the TTLL5 protein (p.Ser14Pro). This variant is present in population databases (rs201704357, gnomAD 0.1%). This variant has not been reported in the literature in individuals affected with TTLL5-related conditions. ClinVar contains an entry for this variant (Variation ID: 971089). Advanced modeling of protein sequence and biophysical properties (such as structural, functional, and spatial information, amino acid conservation, physicochemical variation, residue mobility, and thermodynamic stability) performed at Invitae indicates that this missense variant is not expected to disrupt TTLL5 protein function with a negative predictive value of 80%. In summary, the available evidence is currently insufficient to determine the role of this variant in disease. Therefore, it has been classified as a Variant of Uncertain Significance.

Ambry Genetics
Classification: Uncertain significance for Inborn genetic diseases. Last evaluated: 2021-06-11. Review status: criteria provided, single submitter. Criteria: Ambry Variant Classification Scheme 2023. Collection method: clinical testing. Allele origin: germline.

NM_015072.5(TTLL5):c.40T>C (p.Ser14Pro)

Gene: TTLL5 (tubulin tyrosine ligase like 5; plus strand). Cytogenetic location: 14q24.3.
Variant type: single nucleotide variant.
Coding change: c.40T>C on transcript NM_015072.5 (MANE Select); coding-DNA position 40, T replaced by C.
Protein change: p.Ser14Pro; replaces serine 14 with proline.
Molecular consequence: missense variant.
Genome position (GRCh38, 1-based): chr14:75,663,189, T>C. VCF-style: chr14-75663189-T-C. GRCh37 (hg19) VCF-style: chr14-76129532-T-C.
Other names: short protein forms S14P.
Identifiers: ClinVar variation 971089 (VCV000971089.9), dbSNP rs201704357, ClinGen allele CA7278779.